The following is an entry in ClinVar:

NM_030665.4(RAI1):c.4234C>T (p.Leu1412Phe)

Gene: RAI1 (retinoic acid induced 1; plus strand). Cytogenetic location: 17p11.2.
Variant type: single nucleotide variant.
Coding change: c.4234C>T on transcript NM_030665.4 (MANE Select); coding-DNA position 4234, C replaced by T.
Protein change: p.Leu1412Phe; replaces leucine 1412 with phenylalanine.
Molecular consequence: missense variant.
Genome position (GRCh38, 1-based): chr17:17,797,182, C>T. VCF-style: chr17-17797182-C-T. GRCh37 (hg19) VCF-style: chr17-17700496-C-T.
Other names: c.4234C>T (NM_030665.3); short protein forms L1412F.
Identifiers: ClinVar variation 1393587 (VCV001393587.10), dbSNP rs1482203473, ClinGen allele CA398556132.
Genomic context (GRCh38, chr17:17,797,182, plus strand): 5'-CCAACTTCTGGGGCTGATCCGTTATGCAGAAATCCAACCAACAGATCCTTAAAAGGCAAA[C>T]TCATGAACAGTAAGAAACTGTCTTCTACTGACTGTTTCAAAACCGAGGCCTTCACATCCC-3'
Protein context (NP_109590.3, residues 1402-1422): NPTNRSLKGK[Leu1412Phe]MNSKKLSSTD

ClinVar aggregate classification (germline): Conflicting classifications of pathogenicity. Review status: criteria provided, conflicting classifications (1 of 4 stars). 3 submissions from 3 submitters: Uncertain significance (1); Likely benign (1). 1 of the submissions does not count toward it. Last evaluated 2025-06-03.

Conditions:
RAI1-related disorder. Also called: RAI1-related condition.
Inborn genetic diseases. Identifiers: MedGen C0950123, MeSH D030342.

Allele frequency attached by ClinVar (database versions not stated): gnomAD exomes 0.00001; TOPMed 0.00002; gnomAD 0.00006.
gnomAD v4.1: 14 of 1,613,838 alleles (0.00087%); highest among the groups gnomAD compares: African/African-American, 0.017%; no homozygotes.

Submissions (3):

Ambry Genetics
Classification: Likely benign for Inborn genetic diseases. Last evaluated: 2025-06-03. Review status: criteria provided, single submitter. Criteria: Ambry Variant Classification Scheme 2023. Collection method: clinical testing. Allele origin: germline.

Labcorp Genetics (formerly Invitae), Labcorp
Classification: Uncertain significance. Last evaluated: 2024-12-19. Review status: criteria provided, single submitter. Criteria: Invitae Variant Classification Sherloc (09022015). Collection method: clinical testing. Allele origin: germline.
Comment: This sequence change replaces leucine, which is neutral and non-polar, with phenylalanine, which is neutral and non-polar, at codon 1412 of the RAI1 protein (p.Leu1412Phe). This variant is present in population databases (no rsID available, gnomAD 0.02%). This variant has not been reported in the literature in individuals affected with RAI1-related conditions. ClinVar contains an entry for this variant (Variation ID: 1393587). Invitae Evidence Modeling of protein sequence and biophysical properties (such as structural, functional, and spatial information, amino acid conservation, physicochemical variation, residue mobility, and thermodynamic stability) indicates that this missense variant is not expected to disrupt RAI1 protein function with a negative predictive value of 80%. In summary, the available evidence is currently insufficient to determine the role of this variant in disease. Therefore, it has been classified as a Variant of Uncertain Significance.

PreventionGenetics, part of Exact Sciences
Classification: Uncertain significance for RAI1-related condition. Last evaluated: 2023-12-19. Review status: no assertion criteria provided. Collection method: clinical testing. Allele origin: germline. Not counted in ClinVar's aggregate classification.
Comment: The RAI1 c.4234C>T variant is predicted to result in the amino acid substitution p.Leu1412Phe. To our knowledge, this variant has not been reported in the literature. This variant is reported in 0.020% of alleles in individuals of African descent in gnomAD. Although we suspect that this variant may be benign, at this time, the clinical significance of this variant is uncertain due to the absence of conclusive functional and genetic evidence.